The following is an entry in ClinVar:

ClinVar aggregate classification (germline): Uncertain significance (1 of 4 stars; one submission).

Conditions:
Drash syndrome (DDS). Also called: WILMS TUMOR AND PSEUDO- OR TRUE HERMAPHRODITISM; NEPHROPATHY, WILMS TUMOR, AND GENITAL ANOMALIES. Identifiers: Orphanet 220, MedGen C0950121, MONDO:0008682, OMIM 194080.
Frasier syndrome. Identifiers: Orphanet 347, MedGen C0950122, MeSH D052159, MONDO:0007635, OMIM 136680.
Wilms tumor 1 (WT1). Also called: Wilms tumor, somatic. Identifiers: Orphanet 654, MedGen CN033288, MONDO:0008679, OMIM 194070.
11p partial monosomy syndrome (WAGR). Also called: WAGR Complex; WAGR Spectrum Disorder; CHROMOSOME 11p13 DELETION SYNDROME; WAGR syndrome. Identifiers: Orphanet 893, MedGen C0206115, MONDO:0008681, OMIM 194072.

Submission:

Labcorp Genetics (formerly Invitae), Labcorp
Classification: Uncertain significance for Wilms tumor 1; Drash syndrome; 11p partial monosomy syndrome; Frasier syndrome. Last evaluated: 2022-10-10. Review status: criteria provided, single submitter. Criteria: Invitae Variant Classification Sherloc (09022015). Collection method: clinical testing. Allele origin: germline.
Comment: In summary, the available evidence is currently insufficient to determine the role of this variant in disease. Therefore, it has been classified as a Variant of Uncertain Significance. Algorithms developed to predict the effect of missense changes on protein structure and function are either unavailable or do not agree on the potential impact of this missense change (SIFT: "Deleterious"; PolyPhen-2: "Probably Damaging"; Align-GVGD: "Class C0"). This variant has not been reported in the literature in individuals affected with WT1-related conditions. This variant is not present in population databases (gnomAD no frequency). This sequence change replaces threonine, which is neutral and polar, with proline, which is neutral and non-polar, at codon 305 of the WT1 protein (p.Thr305Pro).

NM_024426.6(WT1):c.928A>C (p.Thr310Pro)

Gene: WT1 (WT1 transcription factor; minus strand). Cytogenetic location: 11p13.
Variant type: single nucleotide variant.
Coding change: c.928A>C on transcript NM_024426.6 (MANE Select); coding-DNA position 928, A replaced by C.
Protein change: p.Thr310Pro; replaces threonine 310 with proline.
Molecular consequence: missense variant. On other transcripts: non-coding transcript variant (1).
Genome position (GRCh38, 1-based): chr11:32,417,614, T>G on the plus strand (A>C on the coding strand, the complement: WT1 is on the minus strand). VCF-style: chr11-32417614-T-G. GRCh37 (hg19) VCF-style: chr11-32439160-T-G.
Other names: c.928A>C, p.Thr310Pro (NM_000378.6, NM_001407044.1, NM_001407045.1 and 4 more transcripts); c.277A>C, p.Thr93Pro (NM_001198551.2, NM_001198552.2); c.805A>C, p.Thr269Pro (NM_001407047.1, NM_001407050.1); c.166A>C, p.Thr56Pro (NM_001407051.1); c.913A>C, p.Thr305Pro (NM_024425.2); short protein forms T305P, T310P, T56P, T269P, T93P.
Identifiers: ClinVar variation 2151387 (VCV002151387.4), dbSNP rs2133037185, ClinGen allele CA379962129.